The following is an entry in ClinVar:

ClinVar aggregate classification (germline): Uncertain significance (1 of 4 stars; one submission).

gnomAD v4.1: 7 of 1,614,182 alleles (0.00043%); highest among the groups gnomAD compares: Non-Finnish European, 0.00059%; no homozygotes.

Submission:

Labcorp Genetics (formerly Invitae), Labcorp
Classification: Uncertain significance. Last evaluated: 2021-05-17. Review status: criteria provided, single submitter. Criteria: Invitae Variant Classification Sherloc (09022015). Collection method: clinical testing. Allele origin: germline.
Comment: In summary, the available evidence is currently insufficient to determine the role of this variant in disease. Therefore, it has been classified as a Variant of Uncertain Significance. Advanced modeling of protein sequence and biophysical properties (such as structural, functional, and spatial information, amino acid conservation, physicochemical variation, residue mobility, and thermodynamic stability) performed at Invitae indicates that this missense variant is not expected to disrupt CNGA3 protein function. This variant has not been reported in the literature in individuals with CNGA3-related conditions. This variant is not present in population databases (ExAC no frequency). This sequence change replaces isoleucine with leucine at codon 328 of the CNGA3 protein (p.Ile328Leu). The isoleucine residue is highly conserved and there is a small physicochemical difference between isoleucine and leucine.

NM_001298.3(CNGA3):c.982A>C (p.Ile328Leu)

Gene: CNGA3 (cyclic nucleotide gated channel subunit alpha 3; plus strand). Cytogenetic location: 2q11.2.
Variant type: single nucleotide variant.
Coding change: c.982A>C on transcript NM_001298.3 (MANE Select); coding-DNA position 982, A replaced by C.
Protein change: p.Ile328Leu; replaces isoleucine 328 with leucine.
Molecular consequence: missense variant.
Genome position (GRCh38, 1-based): chr2:98,396,152, A>C. VCF-style: chr2-98396152-A-C. GRCh37 (hg19) VCF-style: chr2-99012615-A-C.
Other names: c.928A>C, p.Ile310Leu (NM_001079878.2); short protein forms I310L, I328L.
Identifiers: ClinVar variation 1506342 (VCV001506342.8), dbSNP rs765181562, ClinGen allele CA347832570.